The following is an entry in ClinVar:

NM_002103.5(GYS1):c.2092T>C (p.Ser698Pro)

Gene: GYS1 (glycogen synthase 1; minus strand). Cytogenetic location: 19q13.33.
Variant type: single nucleotide variant.
Coding change: c.2092T>C on transcript NM_002103.5 (MANE Select); coding-DNA position 2092, T replaced by C.
Protein change: p.Ser698Pro; replaces serine 698 with proline.
Molecular consequence: missense variant. On other transcripts: non-coding transcript variant (1).
Genome position (GRCh38, 1-based): chr19:48,969,410, A>G on the plus strand (T>C on the coding strand, the complement: GYS1 is on the minus strand). VCF-style: chr19-48969410-A-G. GRCh37 (hg19) VCF-style: chr19-49472667-A-G.
Other names: c.1900T>C, p.Ser634Pro (NM_001161587.2); short protein forms S634P, S698P.
Identifiers: ClinVar variation 1354257 (VCV001354257.7), dbSNP rs147627546, ClinGen allele CA309381933.

ClinVar aggregate classification (germline): Uncertain significance. Review status: criteria provided, multiple submitters, no conflicts (2 of 4 stars). 3 submissions from 3 submitters: Uncertain significance (3). Last evaluated 2025-05-21.

Conditions:
Inborn genetic diseases. Identifiers: MedGen C0950123, MeSH D030342.
Glycogen storage disease due to muscle and heart glycogen synthase deficiency. Also called: GSD 0b; MUSCLE GLYCOGEN SYNTHASE DEFICIENCY. Identifiers: Orphanet 137625, MedGen C1969054, MONDO:0012693, OMIM 611556.

Allele frequency attached by ClinVar (database versions not stated): gnomAD exomes 0.00001; gnomAD 0.00003; TOPMed 0.00003; ESP Exome Variant Server 0.00008.
gnomAD v4.1: 8 of 1,553,050 alleles (0.00052%); highest among the groups gnomAD compares: African/African-American, 0.0096%; no homozygotes.

Submissions (3):

Ambry Genetics
Classification: Uncertain significance for Inborn genetic diseases. Last evaluated: 2025-05-21. Review status: criteria provided, single submitter. Criteria: Ambry Variant Classification Scheme 2023. Collection method: clinical testing. Allele origin: germline.

GeneDx
Classification: Uncertain significance. Last evaluated: 2022-09-26. Review status: criteria provided, single submitter. Criteria: GeneDx Variant Classification Process June 2021. Collection method: clinical testing. Allele origin: germline. Affected: yes.
Comment: In silico analysis supports that this missense variant does not alter protein structure/function; Has not been previously published as pathogenic or benign to our knowledge

Labcorp Genetics (formerly Invitae), Labcorp
Classification: Uncertain significance for Glycogen storage disease due to muscle and heart glycogen synthase deficiency. Last evaluated: 2022-08-23. Review status: criteria provided, single submitter. Criteria: Invitae Variant Classification Sherloc (09022015). Collection method: clinical testing. Allele origin: germline.
Comment: This sequence change replaces serine, which is neutral and polar, with proline, which is neutral and non-polar, at codon 698 of the GYS1 protein (p.Ser698Pro). The frequency data for this variant in the population databases is considered unreliable, as metrics indicate poor data quality at this position in the gnomAD database. This variant has not been reported in the literature in individuals affected with GYS1-related conditions. ClinVar contains an entry for this variant (Variation ID: 1354257). Algorithms developed to predict the effect of missense changes on protein structure and function are either unavailable or do not agree on the potential impact of this missense change (SIFT: "Deleterious"; PolyPhen-2: "Benign"; Align-GVGD: "Class C0"). In summary, the available evidence is currently insufficient to determine the role of this variant in disease. Therefore, it has been classified as a Variant of Uncertain Significance.